The following is an entry in ClinVar:

ClinVar aggregate classification (germline): Uncertain significance (1 of 4 stars; one submission).

Conditions:
Hereditary cancer-predisposing syndrome. Also called: Neoplastic Syndromes, Hereditary; Tumor predisposition; Hereditary neoplastic syndrome; Hereditary Cancer Syndrome. Identifiers: Orphanet 140162, MedGen C0027672, MeSH D009386, MONDO:0015356.

Submission:

Ambry Genetics
Classification: Uncertain significance for Hereditary cancer-predisposing syndrome. Last evaluated: 2024-02-02. Review status: criteria provided, single submitter. Criteria: Ambry Variant Classification Scheme 2023. Collection method: clinical testing. Allele origin: germline.
Comment: The p.N459D variant (also known as c.1375A>G), located in coding exon 9 of the RAD50 gene, results from an A to G substitution at nucleotide position 1375. The asparagine at codon 459 is replaced by aspartic acid, an amino acid with highly similar properties. This amino acid position is conserved. In addition, this alteration is predicted to be tolerated by in silico analysis. Based on the available evidence, the clinical significance of this alteration remains unclear.

NM_005732.4(RAD50):c.1375A>G (p.Asn459Asp)

Gene: RAD50 (RAD50 double strand break repair protein; plus strand). Cytogenetic location: 5q31.1.
Variant type: single nucleotide variant.
Coding change: c.1375A>G on transcript NM_005732.4 (MANE Select); coding-DNA position 1375, A replaced by G.
Protein change: p.Asn459Asp; replaces asparagine 459 with aspartic acid.
Molecular consequence: missense variant.
Genome position (GRCh38, 1-based): chr5:132,589,760, A>G. VCF-style: chr5-132589760-A-G. GRCh37 (hg19) VCF-style: chr5-131925452-A-G.
Other names: short protein forms N459D.
Identifiers: ClinVar variation 3224938 (VCV003224938.1), dbSNP rs2479637226, ClinGen allele CA360944415.